The following is an entry in ClinVar:

NM_004385.5(VCAN):c.5542A>G (p.Thr1848Ala)

Genes: VCAN (versican; plus strand), VCAN-AS1 (VCAN antisense RNA 1; minus strand). Cytogenetic location: 5q14.3.
Variant type: single nucleotide variant.
Coding change: c.5542A>G on transcript NM_004385.5 (MANE Select); coding-DNA position 5542, A replaced by G.
Protein change: p.Thr1848Ala; replaces threonine 1848 with alanine.
Molecular consequence: missense variant. On other transcripts: intron variant (2).
Genome position (GRCh38, 1-based): chr5:83,538,545, A>G. VCF-style: chr5-83538545-A-G. GRCh37 (hg19) VCF-style: chr5-82834364-A-G.
Other names: c.2581A>G, p.Thr861Ala (NM_001164097.2); c.4004-6992A>G (NM_001164098.2); c.1043-6992A>G (NM_001126336.3); short protein forms T861A, T1848A.
Identifiers: ClinVar variation 2312755 (VCV002312755.4), dbSNP rs1242661637, ClinGen allele CA360310630.
Genomic context (GRCh38, chr5:83,538,545, plus strand): 5'-CCTGCCTCTGTCTTTATGGAGCAGGGCTCTGGAGAAGCTGCTGCCGACCCAGAAACCACC[A>G]CTGTTTCTTCATTTTCATTAAACGTAGAGTATGCAATTCAAGCCGAAAAGGAAGTAGCTG-3'
Protein context (NP_004376.2, residues 1838-1858): GEAAADPETT[Thr1848Ala]VSSFSLNVEY

ClinVar aggregate classification (germline): Uncertain significance. Review status: criteria provided, multiple submitters, no conflicts (2 of 4 stars). 2 submissions from 2 submitters: Uncertain significance (2). Last evaluated 2024-02-26.

Conditions:
Inborn genetic diseases. Identifiers: MedGen C0950123, MeSH D030342.

Allele frequency attached by ClinVar (database versions not stated): gnomAD 0.00001; gnomAD exomes 0.00001.
gnomAD v4.1: 10 of 1,613,932 alleles (0.00062%); highest among the groups gnomAD compares: Non-Finnish European, 0.00085%; no homozygotes.

Submissions (2):

Labcorp Genetics (formerly Invitae), Labcorp
Classification: Uncertain significance. Last evaluated: 2024-02-26. Review status: criteria provided, single submitter. Criteria: Invitae Variant Classification Sherloc (09022015). Collection method: clinical testing. Allele origin: germline.
Comment: This sequence change replaces threonine, which is neutral and polar, with alanine, which is neutral and non-polar, at codon 1848 of the VCAN protein (p.Thr1848Ala). This variant is present in population databases (no rsID available, gnomAD 0.002%). This variant has not been reported in the literature in individuals affected with VCAN-related conditions. ClinVar contains an entry for this variant (Variation ID: 2312755). Algorithms developed to predict the effect of missense changes on protein structure and function output the following: SIFT: "Not Available"; PolyPhen-2: "Benign"; Align-GVGD: "Not Available". The alanine amino acid residue is found in multiple mammalian species, which suggests that this missense change does not adversely affect protein function. In summary, the available evidence is currently insufficient to determine the role of this variant in disease. Therefore, it has been classified as a Variant of Uncertain Significance.

Ambry Genetics
Classification: Uncertain significance for Inborn genetic diseases. Last evaluated: 2022-09-22. Review status: criteria provided, single submitter. Criteria: Ambry Variant Classification Scheme 2023. Collection method: clinical testing. Allele origin: germline.